The following is an entry in ClinVar:

NM_020791.4(TAOK1):c.2431C>T (p.Leu811=)

Gene: TAOK1 (TAO kinase 1; plus strand). Cytogenetic location: 17q11.2.
Variant type: single nucleotide variant.
Coding change: c.2431C>T on transcript NM_020791.4 (MANE Select); coding-DNA position 2431, C replaced by T.
Protein change: p.Leu811=; no amino-acid change (leucine 811 retained).
Molecular consequence: synonymous variant.
Genome position (GRCh38, 1-based): chr17:29,534,187, C>T. VCF-style: chr17-29534187-C-T. GRCh37 (hg19) VCF-style: chr17-27861205-C-T.
Other names: c.1987C>T, p.Leu663= (NM_025142.1).
Identifiers: ClinVar variation 3032848 (VCV003032848.2), dbSNP rs372060471, ClinGen allele CA8474858.

ClinVar aggregate classification (germline): Likely benign (0 of 4 stars; one submission).

Conditions:
TAOK1-related disorder. Also called: TAOK1-related condition.

Allele frequency attached by ClinVar (database versions not stated): TOPMed 0.00006; ExAC 0.00015; ESP Exome Variant Server 0.00015; gnomAD exomes 0.00015; gnomAD 0.00021.

Submission:

PreventionGenetics, part of Exact Sciences
Classification: Likely benign for TAOK1-related condition. Last evaluated: 2022-02-09. Review status: no assertion criteria provided. Collection method: clinical testing. Allele origin: germline.
Comment: This variant is classified as likely benign based on ACMG/AMP sequence variant interpretation guidelines (Richards et al. 2015 PMID: 25741868, with internal and published modifications).